The following is an entry in ClinVar:

NM_003922.4(HERC1):c.7166C>T (p.Thr2389Met)

Gene: HERC1 (HECT and RLD domain containing E3 ubiquitin protein ligase family member 1; minus strand). Cytogenetic location: 15q22.31.
Variant type: single nucleotide variant.
Coding change: c.7166C>T on transcript NM_003922.4 (MANE Select); coding-DNA position 7166, C replaced by T.
Protein change: p.Thr2389Met; replaces threonine 2389 with methionine.
Molecular consequence: missense variant.
Genome position (GRCh38, 1-based): chr15:63,675,022, G>A on the plus strand (C>T on the coding strand, the complement: HERC1 is on the minus strand). VCF-style: chr15-63675022-G-A. GRCh37 (hg19) VCF-style: chr15-63967221-G-A.
Other names: short protein forms T2389M.
Identifiers: ClinVar variation 2302693 (VCV002302693.5), dbSNP rs1402293559, ClinGen allele CA392766140.

ClinVar aggregate classification (germline): Uncertain significance. Review status: criteria provided, multiple submitters, no conflicts (2 of 4 stars). 2 submissions from 2 submitters: Uncertain significance (2). Last evaluated 2022-12-31.

Conditions:
Inborn genetic diseases. Identifiers: MedGen C0950123, MeSH D030342.

Allele frequency attached by ClinVar (database versions not stated): gnomAD exomes below 0.00001; gnomAD 0.00001; TOPMed 0.00001.
gnomAD v4.1: 7 of 1,613,868 alleles (0.00043%); highest among the groups gnomAD compares: East Asian, 0.0022%; no homozygotes.

Submissions (2):

Labcorp Genetics (formerly Invitae), Labcorp
Classification: Uncertain significance. Last evaluated: 2022-12-31. Review status: criteria provided, single submitter. Criteria: Invitae Variant Classification Sherloc (09022015). Collection method: clinical testing. Allele origin: germline.
Comment: In summary, the available evidence is currently insufficient to determine the role of this variant in disease. Therefore, it has been classified as a Variant of Uncertain Significance. Algorithms developed to predict the effect of missense changes on protein structure and function (SIFT, PolyPhen-2, Align-GVGD) all suggest that this variant is likely to be disruptive. This variant has not been reported in the literature in individuals affected with HERC1-related conditions. This variant is present in population databases (no rsID available, gnomAD 0.004%). This sequence change replaces threonine, which is neutral and polar, with methionine, which is neutral and non-polar, at codon 2389 of the HERC1 protein (p.Thr2389Met).

Ambry Genetics
Classification: Uncertain significance for Inborn genetic diseases. Last evaluated: 2022-07-20. Review status: criteria provided, single submitter. Criteria: Ambry Variant Classification Scheme 2023. Collection method: clinical testing. Allele origin: germline.